The following is an entry in ClinVar:

ClinVar aggregate classification (germline): Benign/Likely benign. Review status: criteria provided, multiple submitters, no conflicts (2 of 4 stars). 2 submissions from 2 submitters: Benign (1); Likely benign (1). Last evaluated 2025-03-12.

Conditions:
Pheochromocytoma/paraganglioma syndrome 4. Also called: CAROTID BODY TUMORS AND MULTIPLE EXTRAADRENAL PHEOCHROMOCYTOMAS; PARAGANGLIOMA, FAMILIAL MALIGNANT; PARAGANGLIOMAS, HEREDITARY EXTRAADRENAL; PHEOCHROMOCYTOMA, FAMILIAL EXTRAADRENAL; Paragangliomas 4; SDHB-Related Hereditary Paraganglioma-Pheochromocytoma Syndrome (Paragangliomas 4). Identifiers: Orphanet 29072, MedGen C1861848, MONDO:0007273, OMIM 115310.
Pheochromocytoma. Also called: MAX-Related Hereditary Paraganglioma-Pheochromocytoma Syndrome. Identifiers: Orphanet 29072, MedGen C0031511, MONDO:0008233, OMIM 171300, HP:0002666.
Gastrointestinal stromal tumor. Also called: Gastrointestinal stromal tumor, somatic; Gastrointestinal stroma tumor. Identifiers: Orphanet 44890, MedGen C0238198, MeSH D046152, MONDO:0011719, OMIM 606764, HP:0100723.

Submissions (2):

Myriad Genetics, Inc.
Classification: Benign for Pheochromocytoma/paraganglioma syndrome 4. Last evaluated: 2025-03-12. Review status: criteria provided, single submitter. Criteria: Myriad Autosomal Dominant, Autosomal Recessive and X-Linked Classification Criteria (2023). Collection method: clinical testing. Allele origin: unknown.
Comment: This variant is considered benign. This variant is a silent/synonymous amino acid change and it is not expected to impact splicing.

Labcorp Genetics (formerly Invitae), Labcorp
Classification: Likely benign for Gastrointestinal stromal tumor; Pheochromocytoma/paraganglioma syndrome 4; Pheochromocytoma. Last evaluated: 2024-04-22. Review status: criteria provided, single submitter. Criteria: Invitae Variant Classification Sherloc (09022015). Collection method: clinical testing. Allele origin: germline.

NM_003000.3(SDHB):c.273A>G (p.Arg91=)

Gene: SDHB (succinate dehydrogenase complex iron sulfur subunit B; minus strand). Cytogenetic location: 1p36.13.
Variant type: single nucleotide variant.
Coding change: c.273A>G on transcript NM_003000.3 (MANE Select); coding-DNA position 273, A replaced by G.
Protein change: p.Arg91=; no amino-acid change (arginine 91 retained).
Molecular consequence: synonymous variant.
Genome position (GRCh38, 1-based): chr1:17,033,073, T>C on the plus strand (A>G on the coding strand, the complement: SDHB is on the minus strand). VCF-style: chr1-17033073-T-C. GRCh37 (hg19) VCF-style: chr1-17359568-T-C.
Other names: c.273A>G, p.Arg91= (NM_001407361.1).
Identifiers: ClinVar variation 3752775 (VCV003752775.3).
Genomic context (GRCh38, chr1:17,033,073, plus strand): 5'-TTGGAAGACCACAAGTATCTGGAGCCCAACAGGAATGAAATGCTCACCTTCTCTGCATGA[T>C]CTTCGGAAGGTCAAAGTAGAGTCAACTTCATTCTTAATCTTGATTAAAGCATCCAATACC-3'
Protein context (NP_002991.2, residues 81-101): NEVDSTLTFR[Arg91=]SCREGICGSC